The following is an entry in ClinVar:

NM_000199.5(SGSH):c.1429del (p.Asp477fs)

Gene: SGSH (N-sulfoglucosamine sulfohydrolase; minus strand). Cytogenetic location: 17q25.3.
Variant type: Deletion.
Coding change: c.1429del on transcript NM_000199.5 (MANE Select); coding-DNA position 1429, one base deleted (G; older notation c.1429delG).
Protein change: p.Asp477fs; shifts the reading frame from aspartic acid 477.
Molecular consequence: frameshift variant. On other transcripts: 3 prime UTR variant (2), non-coding transcript variant (1).
Genome position (GRCh38, 1-based): chr17:80,210,532, C deleted on the plus strand (G on the coding strand, the reverse complement: SGSH is on the minus strand). VCF-style (leftmost placement, unchanged base first): chr17-80210531-TC-T. GRCh37 (hg19) VCF-style: chr17-78184330-TC-T.
Other names: c.*516del (NM_001352921.3); c.*479del (NM_001352922.2); short protein forms D477fs.
Identifiers: ClinVar variation 552591 (VCV000552591.7), dbSNP rs781572815, ClinGen allele CA8817588.

ClinVar aggregate classification (germline): Pathogenic/Likely pathogenic. Review status: criteria provided, multiple submitters, no conflicts (2 of 4 stars). 3 submissions from 3 submitters: Pathogenic (1); Likely pathogenic (1). 1 of the submissions does not count toward it. Last evaluated 2026-03-09.

Conditions:
Mucopolysaccharidosis, MPS-III-A (MPS3A). Also called: SANFILIPPO SYNDROME A; SULFAMIDASE DEFICIENCY; MPS III A; MUCOPOLYSACCHARIDOSIS, TYPE IIIA, ATTENUATED; Mucopolysaccharidosis type IIIA (Sanfilippo A); MPS IIIA (Sanfilippo Syndrome Type A). Identifiers: Orphanet 581, Orphanet 79269, MedGen C0086647, MONDO:0009655, OMIM 252900.

Allele frequency attached by ClinVar (database versions not stated): TOPMed below 0.00001; ExAC 0.00001; gnomAD exomes 0.00001.

Submissions (3):

Myriad Genetics, Inc.
Classification: Likely pathogenic for Mucopolysaccharidosis, MPS-III-A. Last evaluated: 2026-03-09. Review status: criteria provided, single submitter. Criteria: Myriad Autosomal Dominant, Autosomal Recessive and X-Linked Classification Criteria (2023). Collection method: clinical testing. Allele origin: unknown.
Comment: NM_000199.3(SGSH):c.1429delG(D477Tfs*114) is a readthrough frameshift variant classified as likely pathogenic in the context of mucopolysaccharidosis type IIIA. D477Tfs*114 has been observed in a case with relevant disease (PMID: 22976768). Relevant functional assessments of this variant are not available in the literature. Internal structural analysis of the variant is supportive of pathogenicity. D477Tfs*114 has been observed in referenced population frequency databases. In summary, NM_000199.3(SGSH):c.1429delG(D477Tfs*114) is a readthrough frameshift variant that has internal structural support for pathogenicity and has been observed more frequently in cases with the relevant disease than in healthy populations. Please note: this variant was assessed in the context of healthy population screening.

Labcorp Genetics (formerly Invitae), Labcorp
Classification: Pathogenic for Mucopolysaccharidosis, MPS-III-A. Last evaluated: 2025-12-16. Review status: criteria provided, single submitter. Criteria: Invitae Variant Classification Sherloc (09022015). Collection method: clinical testing. Allele origin: germline.
Comment: This sequence change is expected to alter the c-terminus of the SGSH protein (p.Asp477Thrfs*114). While this is not anticipated to result in nonsense mediated decay, it is expected to disrupt the last 26 amino acid(s) of the SGSH protein and extend the protein by 87 additional amino acid residues. This variant is present in population databases (rs781572815, gnomAD 0.002%). This frameshift has been observed in individual(s) with mucopolysaccharidosis (PMID: 22976768). ClinVar contains an entry for this variant (Variation ID: 552591). This variant disrupts a region of the SGSH protein in which other variant(s) (p.Trp479*) have been determined to be pathogenic (PMID: 21204211). This suggests that this is a clinically significant region of the protein, and that variants that disrupt it are likely to be disease-causing. For these reasons, this variant has been classified as Pathogenic.

Counsyl
Classification: Likely pathogenic for Mucopolysaccharidosis, MPS-III-A. Last evaluated: 2017-06-27. Review status: no assertion criteria provided. Collection method: clinical testing. Allele origin: unknown. Not counted in ClinVar's aggregate classification.

Literature cited by the submitters: PubMed 22976768 (cited by 3 submitters); PubMed 21204211 (cited by Labcorp Genetics (formerly Invitae), Labcorp); PubMed 24816101 (cited by Counsyl).